The following is an entry in ClinVar:

ClinVar aggregate classification (germline): Likely pathogenic (1 of 4 stars; one submission).

Conditions:
Obesity. Also called: Obesity disorder. Identifiers: Orphanet 71529, MedGen C0028754, MeSH D009765, MONDO:0011122, HP:0001513.

Submission:

Centre for Mendelian Genomics, University Medical Centre Ljubljana
Classification: Likely pathogenic for Inherited obesity. Last evaluated: 2016-01-01. Review status: criteria provided, single submitter. Criteria: ACMG Guidelines, 2015. Collection method: clinical testing. Allele origin: unknown. Affected: yes.
Comment: This variant was classified as: Likely pathogenic. The following ACMG criteria were applied in classifying this variant: PVS1,PM2.

NM_138711.6(PPARG):c.46_58del (p.Ser17fs)

Gene: PPARG (peroxisome proliferator activated receptor gamma; plus strand). Cytogenetic location: 3p25.2.
Variant type: Deletion.
Coding change: c.46_58del on transcript NM_138711.6 (MANE Select); coding-DNA positions 46 to 58, 13 bases deleted (AGCTCCGTGGATC).
Protein change: p.Ser17fs; shifts the reading frame from serine 17.
Molecular consequence: frameshift variant. On other transcripts: 5 prime UTR variant (1).
Genome position (GRCh38, 1-based): chr3:12,379,757-12,379,769, AGCTCCGTGGATC deleted; deleting any 13 consecutive bases within chr3:12,379,752-12,379,769 gives the same sequence; the c. name uses the placement nearest the transcript's 3' end. VCF-style (leftmost placement, unchanged base first): chr3-12379751-GGGATCAGCTCCGT-G. GRCh37 (hg19) VCF-style: chr3-12421250-GGGATCAGCTCCGT-G.
Other names: c.46_58del, p.Ser17fs (NM_001330615.4, NM_001354666.3, NM_001354667.3 and 6 more transcripts); c.136_148del, p.Ser47fs (NM_001354668.2, NM_001374265.1, NM_015869.5); c.-382_-370del (NM_001354669.2); c.52_64del, p.Ser19fs (NM_001354670.2, NM_001374266.1); short protein forms S19fs, S17fs, S47fs.
Identifiers: ClinVar variation 930372 (VCV000930372.3), dbSNP rs2049559215, ClinGen allele CA1139657881.
Genomic context (GRCh38, chr3:12,379,751, plus strand): 5'-TTTTTCCTTTCAGAAATGACCATGGTTGACACAGAGATGCCATTCTGGCCCACCAACTTT[GGGATCAGCTCCGT>G]GGATCTCTCCGTAATGGAAGACCACTCCCACTCCTTTGATATCAAGCCCTTCACTACTGT-3'